The following is an entry in ClinVar:

NM_182920.2(ADAMTS9):c.4513G>A (p.Ala1505Thr)

Genes: ADAMTS9 (ADAM metallopeptidase with thrombospondin type 1 motif 9; minus strand), ADAMTS9-AS1 (ADAMTS9 antisense RNA 1; plus strand). Cytogenetic location: 3p14.1.
Variant type: single nucleotide variant.
Coding change: c.4513G>A on transcript NM_182920.2 (MANE Select); coding-DNA position 4513, G replaced by A.
Protein change: p.Ala1505Thr; replaces alanine 1505 with threonine.
Molecular consequence: missense variant.
Genome position (GRCh38, 1-based): chr3:64,568,379, C>T on the plus strand (G>A on the coding strand, the complement: ADAMTS9 is on the minus strand). VCF-style: chr3-64568379-C-T. GRCh37 (hg19) VCF-style: chr3-64554055-C-T.
Other names: c.4429G>A, p.Ala1477Thr (NM_001318781.2); c.4513G>A (NM_182920.1); short protein forms A1505T, A1477T.
Identifiers: ClinVar variation 1374698 (VCV001374698.7), dbSNP rs139982064, ClinGen allele CA2480510.

ClinVar aggregate classification (germline): Uncertain significance. Review status: criteria provided, multiple submitters, no conflicts (2 of 4 stars). 2 submissions from 2 submitters: Uncertain significance (2). Last evaluated 2025-05-04.

Allele frequency attached by ClinVar (database versions not stated): ExAC 0.00001; gnomAD 0.00001; gnomAD exomes 0.00001; TOPMed 0.00001.
gnomAD v4.1: 21 of 1,609,730 alleles (0.0013%); highest among the groups gnomAD compares: South Asian, 0.0022%; no homozygotes.

Submissions (2):

Ambry Genetics
Classification: Uncertain significance. Last evaluated: 2025-05-04. Review status: criteria provided, single submitter. Criteria: Ambry Variant Classification Scheme 2023. Collection method: clinical testing. Allele origin: germline.

Labcorp Genetics (formerly Invitae), Labcorp
Classification: Uncertain significance. Last evaluated: 2022-06-27. Review status: criteria provided, single submitter. Criteria: Invitae Variant Classification Sherloc (09022015). Collection method: clinical testing. Allele origin: germline.
Comment: This sequence change replaces alanine, which is neutral and non-polar, with threonine, which is neutral and polar, at codon 1505 of the ADAMTS9 protein (p.Ala1505Thr). This variant is present in population databases (rs139982064, gnomAD 0.002%). This variant has not been reported in the literature in individuals affected with ADAMTS9-related conditions. Algorithms developed to predict the effect of missense changes on protein structure and function (SIFT, PolyPhen-2, Align-GVGD) all suggest that this variant is likely to be tolerated. In summary, the available evidence is currently insufficient to determine the role of this variant in disease. Therefore, it has been classified as a Variant of Uncertain Significance.